The following is an entry in ClinVar:

ClinVar aggregate classification (germline): Pathogenic (1 of 4 stars; one submission).

Conditions:
Cardiomyopathy (CMYO). Also called: Cardiomyopathies. Identifiers: Orphanet 167848, MedGen C0878544, MONDO:0004994, HP:0001638. Inheritance: Various modes of inheritance.

Submission:

Women's Health and Genetics/Laboratory Corporation of America, LabCorp
Classification: Pathogenic for Cardiomyopathy. Last evaluated: 2026-06-08. Review status: criteria provided, single submitter. Criteria: LabCorp Variant Classification Summary - May 2015. Collection method: clinical testing. Allele origin: germline.
Comment: Variant summary: LAMA4 c.3724_3727dupCAGA (p.Ser1243ThrfsX14) results in a premature termination codon, predicted to cause a truncation of the encoded protein or absence of the protein due to nonsense mediated decay, which are commonly known mechanisms for disease. The variant was absent in 250884 control chromosomes. To our knowledge, no occurrence of c.3724_3727dupCAGA in individuals affected with LAMA4-related conditions and no experimental evidence demonstrating its impact on protein function have been reported. No submitters have cited clinical-significance assessments for this variant to ClinVar. Based on the evidence outlined above, the variant was classified as pathogenic.

NM_001105206.3(LAMA4):c.3724_3727dup (p.Ser1243fs)

Gene: LAMA4 (laminin subunit alpha 4; minus strand). Cytogenetic location: 6q21.
Variant type: Duplication.
Coding change: c.3724_3727dup on transcript NM_001105206.3 (MANE Select); coding-DNA positions 3724 to 3727, 4 bases duplicated (CAGA; older notation c.3724_3727dupCAGA).
Protein change: p.Ser1243fs; shifts the reading frame from serine 1243.
Molecular consequence: frameshift variant.
Genome position (GRCh38, 1-based): chr6:112,132,860-112,132,863, TCTG duplicated on the plus strand (CAGA on the coding strand, the reverse complement: LAMA4 is on the minus strand); duplicating any 4 consecutive bases within chr6:112,132,860-112,132,865 gives the same sequence; the c. name uses the placement nearest the transcript's 3' end. VCF-style (leftmost placement, unchanged base first): chr6-112132859-C-CTCTG. GRCh37 (hg19) VCF-style: chr6-112454061-C-CTCTG.
Other names: c.3703_3706dup, p.Ser1236fs (NM_001105207.3, NM_002290.5); c.3724_3727dupCAGA (NM_001105206.3); short protein forms S1236fs, S1243fs.
Identifiers: ClinVar variation 4887445 (VCV004887445.1).